The following is an entry in ClinVar:

ClinVar aggregate classification (germline): Uncertain significance (1 of 4 stars; one submission).

Conditions:
Regional enteritis. Also called: Enteritis, Granulomatous. Identifiers: MedGen C0678202, MeSH D003424.
Blau syndrome (BLAUS). Also called: GRANULOMATOSIS, FAMILIAL JUVENILE SYSTEMIC; GRANULOMATOSIS, FAMILIAL, BLAU TYPE; GRANULOMATOUS INFLAMMATORY ARTHRITIS, DERMATITIS, AND UVEITIS, FAMILIAL; JABS SYNDROME; ARTHROCUTANEOUVEAL GRANULOMATOSIS. Identifiers: Orphanet 90340, MedGen C5201146, MONDO:0008523, OMIM 186580.

Allele frequency attached by ClinVar (database versions not stated): gnomAD exomes 0.00001 and 0.00002; ExAC 0.00003.

Submission:

Labcorp Genetics (formerly Invitae), Labcorp
Classification: Uncertain significance for Regional enteritis; Blau syndrome. Last evaluated: 2019-10-30. Review status: criteria provided, single submitter. Criteria: Invitae Variant Classification Sherloc (09022015). Collection method: clinical testing. Allele origin: germline.
Comment: This variant is present in population databases (rs766265864, ExAC 0.006%). This variant has not been reported in the literature in individuals with NOD2-related conditions. The current clinical and genetic evidence is not sufficient to establish whether loss-of-function variants in NOD2 cause disease. In summary, the available evidence is currently insufficient to determine the role of this variant in disease. Therefore, it has been classified as a Variant of Uncertain Significance. This sequence change creates a premature translational stop signal (p.Asp362Thrfs*15) in the NOD2 gene. It is expected to result in an absent or disrupted protein product.

NM_001370466.1(NOD2):c.1003del (p.Asp335fs)

Gene: NOD2 (nucleotide binding oligomerization domain containing 2; plus strand). Cytogenetic location: 16q12.1.
Variant type: Deletion.
Coding change: c.1003del on transcript NM_001370466.1 (MANE Select); coding-DNA position 1003, one base deleted (G; older notation c.1003delG).
Protein change: p.Asp335fs; shifts the reading frame from aspartic acid 335.
Molecular consequence: frameshift variant. On other transcripts: non-coding transcript variant (1).
Genome position (GRCh38, 1-based): chr16:50,710,995, G deleted. VCF-style (leftmost placement, unchanged base first): chr16-50710994-AG-A. GRCh37 (hg19) VCF-style: chr16-50744905-AG-A.
Other names: c.1003del, p.Asp335fs (NM_001293557.2); c.1084del, p.Asp362fs (NM_022162.3); short protein forms D335fs, D362fs.
Identifiers: ClinVar variation 963246 (VCV000963246.8), dbSNP rs766265864, ClinGen allele CA8051459.
Genomic context (GRCh38, chr16:50,710,994, plus strand): 5'-ACCACTCTCTGTGCGGACTCTACTCTTTGAGCACTGCTGTTGGCCTGATGTTGGTCAAGA[AG>A]ACATCTTCCAGTTACTCCTTGACCACCCTGACCGTGTCCTGTTAACCTTTGATGGCTTTG-3'